The following is an entry in ClinVar:

NM_000136.3(FANCC):c.517dup (p.Arg173fs)

Gene: FANCC (FA complementation group C; minus strand). Cytogenetic location: 9q22.32.
Variant type: Duplication.
Coding change: c.517dup on transcript NM_000136.3 (MANE Select); coding-DNA position 517, one base duplicated (A; older notation c.517dupA).
Protein change: p.Arg173fs; shifts the reading frame from arginine 173.
Molecular consequence: frameshift variant.
Genome position (GRCh38, 1-based): chr9:95,171,083, T duplicated on the plus strand (A on the coding strand, the reverse complement: FANCC is on the minus strand); the first of 3 consecutive T bases (chr9:95,171,083-95,171,085); duplicating any one gives the same sequence. VCF-style (leftmost placement, unchanged base first): chr9-95171082-C-CT. GRCh37 (hg19) VCF-style: chr9-97933364-C-CT.
Other names: c.517dup, p.Arg173fs (NM_001243743.2, NM_001243744.2); c.517dupA (NM_000136.2); short protein forms R173fs.
Identifiers: ClinVar variation 1745846 (VCV001745846.3), dbSNP rs2541927522, ClinGen allele CA2580080682.

ClinVar aggregate classification (germline): Pathogenic. Review status: criteria provided, multiple submitters, no conflicts (2 of 4 stars). 2 submissions from 2 submitters: Pathogenic (2). Last evaluated 2025-05-06.

Conditions:
Fanconi anemia complementation group C (FANCC). Also called: FANCONI PANCYTOPENIA, TYPE 3; FACC; Fanconi anemia, group C; FANCC-Related Fanconi Anemia. Identifiers: Orphanet 84, MedGen C3468041, MONDO:0009213, OMIM 227645.
Hereditary cancer-predisposing syndrome. Also called: Hereditary Cancer Syndrome; Hereditary neoplastic syndrome; Neoplastic Syndromes, Hereditary; Tumor predisposition. Identifiers: Orphanet 140162, MedGen C0027672, MeSH D009386, MONDO:0015356.

Submissions (2):

Myriad Genetics, Inc.
Classification: Pathogenic for Fanconi anemia complementation group C. Last evaluated: 2025-05-06. Review status: criteria provided, single submitter. Criteria: Myriad Autosomal Dominant, Autosomal Recessive and X-Linked Classification Criteria (2023). Collection method: clinical testing. Allele origin: unknown.
Comment: NM_000136.2(FANCC):c.517dupA(R173Kfs*25) is expected to be pathogenic in the context of Fanconi anemia, FANCC-related. This variant is predicted to lead to an abnormal or absent protein product due to the creation of a premature termination codon in FANCC, a gene where loss-of-function variants are known to be pathogenic. Please note: this variant was assessed in the context of healthy population screening.

Ambry Genetics
Classification: Pathogenic for Hereditary cancer-predisposing syndrome. Last evaluated: 2022-05-12. Review status: criteria provided, single submitter. Criteria: Ambry Variant Classification Scheme 2023. Collection method: clinical testing. Allele origin: germline.
Comment: The c.517dupA pathogenic mutation, located in coding exon 5 of the FANCC gene, results from a duplication of A at nucleotide position 517, causing a translational frameshift with a predicted alternate stop codon (p.R173Kfs*25). This alteration is expected to result in loss of function by premature protein truncation or nonsense-mediated mRNA decay. As such, this alteration is interpreted as a disease-causing mutation.